The following is an entry in ClinVar:

NM_007103.4(NDUFV1):c.-8_16del (p.Met1_Arg6del)

Genes: NDUFV1 (NADH:ubiquinone oxidoreductase core subunit V1; plus strand), LOC130006217 (ATAC-STARR-seq lymphoblastoid active region 5114; plus strand). Cytogenetic location: 11q13.2.
Variant type: Deletion.
Coding change: c.-8_16del on transcript NM_007103.4 (MANE Select); 8 bases upstream of the start codon through coding-DNA position 16, 24 bases deleted (CCGCCGCGATGCTGGCAACACGGC).
Protein change: p.Met1_Arg6del.
Molecular consequence: inframe deletion, initiator codon variant.
Genome position (GRCh38, 1-based): chr11:67,606,997-67,607,020, CCGCCGCGATGCTGGCAACACGGC deleted; deleting any 24 consecutive bases within chr11:67,606,994-67,607,020 gives the same sequence; the c. name uses the placement nearest the transcript's 3' end. VCF-style (leftmost placement, unchanged base first): chr11-67606993-TGGCCCGCCGCGATGCTGGCAACAC-T. GRCh37 (hg19) VCF-style: chr11-67374464-TGGCCCGCCGCGATGCTGGCAACAC-T.
Other names: c.-8_16del, p.Met1_Arg6del (NM_001166102.2); c.-8_16del24 (NM_007103.3).
Identifiers: ClinVar variation 2504038 (VCV002504038.2), dbSNP rs1316287327, ClinGen allele CA599912978.

ClinVar aggregate classification (germline): Likely pathogenic (1 of 4 stars; one submission).

Conditions:
Leigh syndrome (NULS). Also called: LEIGH SYNDROME, NUCLEAR; Leigh Syndrome (mtDNA deletion); Leigh's necrotizing encephalopathy; Leigh's disease; Leigh's syndrome; Leigh Disease. Identifiers: Orphanet 506, MedGen C2931891, MONDO:0009723, OMIM 256000.

Submission:

Women's Health and Genetics/Laboratory Corporation of America, LabCorp
Classification: Likely pathogenic for Leigh syndrome. Last evaluated: 2023-04-12. Review status: criteria provided, single submitter. Criteria: LabCorp Variant Classification Summary - May 2015. Collection method: clinical testing. Allele origin: germline.
Comment: Variant summary: NDUFV1 c.-8_16del24 (NA) alters the initiation codon and is predicted to result either in absence of the protein or truncation of the encoded protein due to translation initiation at a downstream codon. The next downstream initiation codon is at Met102. Truncations variants upstream of this initiation codon have been classified as pathogenic by our laboratory. The variant was absent in 235692 control chromosomes. To our knowledge, no occurrence of c.-8_16del24 in individuals affected with Leigh Syndrome and no experimental evidence demonstrating its impact on protein function have been reported. No clinical diagnostic laboratories have submitted clinical-significance assessments for this variant to ClinVar after 2014. Based on the evidence outlined above, the variant was classified as likely pathogenic.